The following is an entry in ClinVar:

NM_001378452.1(ITPR1):c.1132G>A (p.Gly378Ser)

Gene: ITPR1 (inositol 1,4,5-trisphosphate receptor type 1; plus strand). Cytogenetic location: 3p26.1.
Variant type: single nucleotide variant.
Coding change: c.1132G>A on transcript NM_001378452.1 (MANE Select); coding-DNA position 1132, G replaced by A.
Protein change: p.Gly378Ser; replaces glycine 378 with serine.
Molecular consequence: missense variant.
Genome position (GRCh38, 1-based): chr3:4,658,259, G>A. VCF-style: chr3-4658259-G-A. GRCh37 (hg19) VCF-style: chr3-4699943-G-A.
Other names: c.1132G>A, p.Gly378Ser (NM_001099952.4); c.1087G>A, p.Gly363Ser (NM_001168272.2, NM_002222.7); short protein forms G363S, G378S.
Identifiers: ClinVar variation 2974802 (VCV002974802.3), dbSNP rs2093757470, ClinGen allele CA351639943.

ClinVar aggregate classification (germline): Uncertain significance (1 of 4 stars; one submission).

Allele frequency attached by ClinVar (database versions not stated): TOPMed below 0.00001; gnomAD 0.00001; gnomAD exomes 0.00001.
gnomAD v4.1: 17 of 1,611,902 alleles (0.0011%); highest among the groups gnomAD compares: Admixed American, 0.0033%; no homozygotes.

Submission:

Labcorp Genetics (formerly Invitae), Labcorp
Classification: Uncertain significance. Last evaluated: 2023-06-20. Review status: criteria provided, single submitter. Criteria: Invitae Variant Classification Sherloc (09022015). Collection method: clinical testing. Allele origin: germline.
Comment: In summary, the available evidence is currently insufficient to determine the role of this variant in disease. Therefore, it has been classified as a Variant of Uncertain Significance. This sequence change replaces glycine, which is neutral and non-polar, with serine, which is neutral and polar, at codon 363 of the ITPR1 protein (p.Gly363Ser). This variant is not present in population databases (gnomAD no frequency). This variant has not been reported in the literature in individuals affected with ITPR1-related conditions. Advanced modeling of protein sequence and biophysical properties (such as structural, functional, and spatial information, amino acid conservation, physicochemical variation, residue mobility, and thermodynamic stability) performed at Invitae indicates that this missense variant is not expected to disrupt ITPR1 protein function.